The following is an entry in ClinVar:

ClinVar aggregate classification (germline): Uncertain significance (1 of 4 stars; one submission).

Conditions:
Cone-rod dystrophy 6 (CORD6). Also called: RETINAL CONE DYSTROPHY 2; Cone dystrophy progressive. Identifiers: Orphanet 1872, MedGen C1866293, MONDO:0011143, OMIM 601777.
Leber congenital amaurosis 1 (LCA1). Also called: RETINAL BLINDNESS, CONGENITAL; AMAUROSIS CONGENITA OF LEBER I; Congenital absence of the rods and cones; Leber's congenital tapetoretinal degeneration; Leber's congenital tapetoretinal dysplasia. Identifiers: Orphanet 65, MedGen C2931258, MONDO:0008764, OMIM 204000.

gnomAD v4.1: 2 of 1,612,978 alleles (0.00012%); highest among the groups gnomAD compares: Non-Finnish European, 0.00017%; no homozygotes.

Submission:

Labcorp Genetics (formerly Invitae), Labcorp
Classification: Uncertain significance for Leber congenital amaurosis 1; Cone-rod dystrophy 6. Last evaluated: 2025-07-19. Review status: criteria provided, single submitter. Criteria: Invitae Variant Classification Sherloc (09022015). Collection method: clinical testing. Allele origin: germline.
Comment: This sequence change replaces proline, which is neutral and non-polar, with serine, which is neutral and polar, at codon 769 of the GUCY2D protein (p.Pro769Ser). This variant is not present in population databases (gnomAD no frequency). This variant has not been reported in the literature in individuals affected with GUCY2D-related conditions. ClinVar contains an entry for this variant (Variation ID: 3748804). Invitae Evidence Modeling of protein sequence and biophysical properties (such as structural, functional, and spatial information, amino acid conservation, physicochemical variation, residue mobility, and thermodynamic stability) has been performed for this missense variant. However, the output from this modeling did not meet the statistical confidence thresholds required to predict the impact of this variant on GUCY2D protein function. In summary, the available evidence is currently insufficient to determine the role of this variant in disease. Therefore, it has been classified as a Variant of Uncertain Significance.

NM_000180.4(GUCY2D):c.2305C>T (p.Pro769Ser)

Gene: GUCY2D (guanylate cyclase 2D, retinal; plus strand). Cytogenetic location: 17p13.1.
Variant type: single nucleotide variant.
Coding change: c.2305C>T on transcript NM_000180.4 (MANE Select); coding-DNA position 2305, C replaced by T.
Protein change: p.Pro769Ser; replaces proline 769 with serine.
Molecular consequence: missense variant.
Genome position (GRCh38, 1-based): chr17:8,013,921, C>T. VCF-style: chr17-8013921-C-T. GRCh37 (hg19) VCF-style: chr17-7917239-C-T.
Other names: short protein forms P769S.
Identifiers: ClinVar variation 3748804 (VCV003748804.2).